The following is an entry in ClinVar:

NM_000551.4(VHL):c.340+770T>G

Genes: VHL (von Hippel-Lindau tumor suppressor; plus strand), LOC107303340 (3p25 von Hippel-Lindau tumor suppressor, E3 ubiquitin protein ligase Alu-mediated recombination region; plus strand). Cytogenetic location: 3p25.3.
Variant type: single nucleotide variant.
Coding change: c.340+770T>G on transcript NM_000551.4 (MANE Select); 770 bases into the intron after coding-DNA position 340, T replaced by G.
Molecular consequence: intron variant. On other transcripts: missense variant (1), non-coding transcript variant (1).
Genome position (GRCh38, 1-based): chr3:10,142,957, T>G. VCF-style: chr3-10142957-T-G. GRCh37 (hg19) VCF-style: chr3-10184641-T-G.
Other names: c.535T>G, p.Ser179Ala (NM_001354723.2); c.340+770T>G (NM_198156.3); short protein forms S179A.
Identifiers: ClinVar variation 3752061 (VCV003752061.2).

ClinVar aggregate classification (germline): Uncertain significance (1 of 4 stars; one submission).

Conditions:
Chuvash polycythemia. Also called: POLYCYTHEMIA, VHL-DEPENDENT. Identifiers: Orphanet 238557, MedGen C1837915, MONDO:0009892, OMIM 263400.
Von Hippel-Lindau syndrome (VHLS). Also called: VHL syndrome; von Hippel–Lindau syndrome; Von Hippel-Lindau. Identifiers: Orphanet 892, MedGen C0019562, MONDO:0008667, OMIM 193300. Disease mechanism: loss of function.

Submission:

Labcorp Genetics (formerly Invitae), Labcorp
Classification: Uncertain significance for Von Hippel-Lindau syndrome; Chuvash polycythemia. Last evaluated: 2024-10-30. Review status: criteria provided, single submitter. Criteria: Invitae Variant Classification Sherloc (09022015). Collection method: clinical testing. Allele origin: germline.
Comment: This sequence change falls in intron 1 of the VHL gene. It is not expected to change the encoded amino acid sequence of the VHL protein. However, this sequence change falls within a cryptic exon in the VHL gene, known as exon E1’, which is naturally expressed at low levels in several human tissues (PMID: 29891534). This variant is not present in population databases (gnomAD no frequency). This variant has not been reported in the literature in individuals affected with VHL-related conditions. Studies have shown that this variant is associated with inconclusive levels of altered splicing (internal data). In summary, the available evidence is currently insufficient to determine the role of this variant in disease. Therefore, it has been classified as a Variant of Uncertain Significance.

Literature cited by the submitters: PubMed 29891534.